The following is an entry in ClinVar:

ClinVar aggregate classification (germline): Uncertain significance (1 of 4 stars; one submission).

Conditions:
Myofibrillar myopathy 5. Also called: FILAMINOPATHY, AUTOSOMAL DOMINANT; Filaminopathy (type). Identifiers: Orphanet 171445, MedGen C1836050, MONDO:0012289, OMIM 609524.
Distal myopathy with posterior leg and anterior hand involvement. Also called: WILLIAMS DISTAL MYOPATHY. Identifiers: Orphanet 63273, MedGen C3279722, MONDO:0013550, OMIM 614065.
Hypertrophic cardiomyopathy 26. Also called: Cardiomyopathy, familial hypertrophic, 26. Identifiers: Orphanet 75249, MedGen C4310749, MONDO:0014883, OMIM 617047.

Submission:

Labcorp Genetics (formerly Invitae), Labcorp
Classification: Uncertain significance for Distal myopathy with posterior leg and anterior hand involvement; Myofibrillar myopathy 5; Hypertrophic cardiomyopathy 26. Last evaluated: 2025-08-16. Review status: criteria provided, single submitter. Criteria: Invitae Variant Classification Sherloc (09022015). Collection method: clinical testing. Allele origin: germline.
Comment: This sequence change replaces phenylalanine, which is neutral and non-polar, with tyrosine, which is neutral and polar, at codon 2468 of the FLNC protein (p.Phe2468Tyr). This variant is not present in population databases (gnomAD no frequency). This variant has not been reported in the literature in individuals affected with FLNC-related conditions. Invitae Evidence Modeling of protein sequence and biophysical properties (such as structural, functional, and spatial information, amino acid conservation, physicochemical variation, residue mobility, and thermodynamic stability) indicates that this missense variant is not expected to disrupt FLNC protein function with a negative predictive value of 95%. In summary, the available evidence is currently insufficient to determine the role of this variant in disease. Therefore, it has been classified as a Variant of Uncertain Significance.

NM_001458.5(FLNC):c.7403T>A (p.Phe2468Tyr)

Genes: FLNC-AS1 (FLNC antisense RNA 1; minus strand), FLNC (filamin C; plus strand). Cytogenetic location: 7q32.1.
Variant type: single nucleotide variant.
Coding change: c.7403T>A on transcript NM_001458.5 (MANE Select); coding-DNA position 7403, T replaced by A.
Protein change: p.Phe2468Tyr; replaces phenylalanine 2468 with tyrosine.
Molecular consequence: missense variant.
Genome position (GRCh38, 1-based): chr7:128,856,763, T>A. VCF-style: chr7-128856763-T-A. GRCh37 (hg19) VCF-style: chr7-128496817-T-A.
Other names: c.7304T>A, p.Phe2435Tyr (NM_001127487.2); short protein forms F2435Y, F2468Y.
Identifiers: ClinVar variation 4812358 (VCV004812358.1).